The following is an entry in ClinVar:

ClinVar aggregate classification (germline): Benign (1 of 4 stars; one submission).

Conditions:
Maturity-onset diabetes of the young type 7 (MODY7). Identifiers: Orphanet 552, MedGen C1864839, MONDO:0012513, OMIM 610508.

Allele frequency attached by ClinVar (database versions not stated): gnomAD exomes 0.00064; 1000 Genomes Project 0.00379; 1000 Genomes Project 30x 0.00437; gnomAD 0.00519 and 0.00564; TOPMed 0.00626.
gnomAD v4.1: 974 of 398,602 alleles (0.24%); highest among the groups gnomAD compares: African/African-American, 1.8%; 9 homozygotes.

Submission:

Illumina Laboratory Services, Illumina
Classification: Benign for Maturity-onset diabetes of the young type 7. Last evaluated: 2018-01-13. Review status: criteria provided, single submitter. Criteria: ICSL Variant Classification Criteria 13 December 2019. Collection method: clinical testing. Allele origin: germline.
Comment: This variant was observed in the ICSL laboratory as part of a predisposition screen in an ostensibly healthy population. It had not been previously curated by ICSL or reported in the Human Gene Mutation Database (HGMD: prior to June 1st, 2018), and was therefore a candidate for classification through an automated scoring system. Utilizing variant allele frequency, disease prevalence and penetrance estimates, and inheritance mode, an automated score was calculated to assess if this variant is too frequent to cause the disease. Based on the score and internal cut-off values, a variant classified as benign is not then subjected to further curation. The score for this variant resulted in a classification of benign for this disease.

NM_003597.5(KLF11):c.*882G>A

Gene: KLF11 (KLF transcription factor 11; plus strand). Cytogenetic location: 2p25.1.
Variant type: single nucleotide variant.
Coding change: c.*882G>A on transcript NM_003597.5 (MANE Select); 882 bases downstream of the stop codon, G replaced by A.
Molecular consequence: 3 prime UTR variant.
Genome position (GRCh38, 1-based): chr2:10,053,389, G>A. VCF-style: chr2-10053389-G-A. GRCh37 (hg19) VCF-style: chr2-10193516-G-A.
Other names: c.*882G>A (NM_001177716.2, NM_001177718.2).
Identifiers: ClinVar variation 330658 (VCV000330658.5), dbSNP rs183240123, ClinGen allele CA10610933.